The following is an entry in ClinVar:

NM_017617.5(NOTCH1):c.4049G>T (p.Arg1350Leu)

Gene: NOTCH1 (notch receptor 1; minus strand). Cytogenetic location: 9q34.3.
Variant type: single nucleotide variant.
Coding change: c.4049G>T on transcript NM_017617.5 (MANE Select); coding-DNA position 4049, G replaced by T.
Protein change: p.Arg1350Leu; replaces arginine 1350 with leucine.
Molecular consequence: missense variant.
Genome position (GRCh38, 1-based): chr9:136,505,847, C>A on the plus strand (G>T on the coding strand, the complement: NOTCH1 is on the minus strand). VCF-style: chr9-136505847-C-A. GRCh37 (hg19) VCF-style: chr9-139400299-C-A.
Other names: p.Arg1350Leu; c.4049G>T, p.Arg1350Leu (LRG_1122t1); short protein forms R1350L.
Identifiers: ClinVar variation 134937 (VCV000134937.51), dbSNP rs150343794, ClinGen allele CA161201.
Genomic context (GRCh38, chr9:136,505,847, plus strand): 5'-GGGCTGCGCGGGCCGGAGATGCATGTGCCGCCGTTGAGGCAGCGCAGGCTGCCGCAGGTA[C>A]GAGCGTCATTCTCACACGTGGCGCCCTCGAAGCCCTGCCCGAGAGGGAAGACAGGACGGT-3'
Protein context (NP_060087.3, residues 1340-1360): FEGATCENDA[Arg1350Leu]TCGSLRCLNG

ClinVar aggregate classification (germline): Conflicting classifications of pathogenicity. Review status: criteria provided, conflicting classifications (1 of 4 stars). 12 submissions from 12 submitters: Uncertain significance (1); Likely benign (9). 2 of the submissions do not count toward it. Last evaluated 2026-06-01.

Conditions:
NOTCH1-related disorder. Also called: NOTCH1-related condition; NOTCH1-related disorders.
Connective tissue disorder. Also called: Connective tissue disease. Identifiers: MedGen C0009782, MONDO:0003900.
Adams-Oliver syndrome 5 (AOS5). Identifiers: Orphanet 974, MedGen C4014970, MONDO:0014459, OMIM 616028.
Familial thoracic aortic aneurysm and aortic dissection (TAAD). Also called: Thoracic aortic aneurysms and dissections. Identifiers: Orphanet 91387, MedGen C4707243, MONDO:0019625.

Allele frequency attached by ClinVar (database versions not stated): ESP Exome Variant Server 0.00037; TOPMed 0.00072; 1000 Genomes Project 0.00080; 1000 Genomes Project 30x 0.00109.
gnomAD v4.1: 1,534 of 1,594,958 alleles (0.096%); highest among the groups gnomAD compares: Non-Finnish European, 0.12%; no homozygotes.

Submissions (12):

Women's Health and Genetics/Laboratory Corporation of America, LabCorp
Classification: Likely benign. Last evaluated: 2026-06-01. Review status: criteria provided, single submitter. Criteria: LabCorp Variant Classification Summary - May 2015. Collection method: clinical testing. Allele origin: germline.
Comment: Variant summary: NOTCH1 c.4049G>T (p.Arg1350Leu) results in a non-conservative amino acid change located in the EGF-like domain (IPR000742) of the encoded protein sequence. Algorithms developed to predict the effect of missense changes on protein structure and function are either unavailable or do not agree on the potential impact of this missense change. The variant allele was found at a frequency of 0.0006 in 220306 control chromosomes, predominantly at a frequency of 0.001 within the Non-Finnish European subpopulation in the gnomAD database. The observed variant frequency within Non-Finnish European control individuals in the gnomAD database exceeds the estimated maximal expected allele frequency for disease-causing variants in NOTCH1. To our knowledge, no occurrence of c.4049G>T in individuals affected with NOTCH1-related conditions and no experimental evidence demonstrating its impact on protein function have been reported. ClinVar contains an entry for this variant (Variation ID: 134937). Based on the evidence outlined above, the variant was classified as likely benign.

Labcorp Genetics (formerly Invitae), Labcorp
Classification: Likely benign for Adams-Oliver syndrome 5. Last evaluated: 2026-01-21. Review status: criteria provided, single submitter. Criteria: Invitae Variant Classification Sherloc (09022015). Collection method: clinical testing. Allele origin: germline.

ARUP Laboratories, Molecular Genetics and Genomics, ARUP Laboratories
Classification: Likely benign. Last evaluated: 2025-04-03. Review status: criteria provided, single submitter. Criteria: ARUP Molecular Germline Variant Investigation Process 2024. Collection method: clinical testing. Allele origin: germline.

Mayo Clinic Laboratories, Mayo Clinic
Classification: Likely benign. Last evaluated: 2024-12-17. Review status: criteria provided, single submitter. Criteria: ACMG Guidelines, 2015. Collection method: clinical testing. Allele origin: germline. Observed: 4 variant alleles.
Comment: BS1

Blueprint Genetics
Classification: Likely benign. Last evaluated: 2024-11-13. Review status: criteria provided, single submitter. Criteria: ACMG Guidelines, 2015. Collection method: clinical testing. Allele origin: germline.

CeGaT Center for Human Genetics Tuebingen
Classification: Likely benign. Last evaluated: 2023-12-01. Review status: criteria provided, single submitter. Criteria: CeGaT Center For Human Genetics Tuebingen Variant Classification Criteria Version 2. Collection method: clinical testing. Allele origin: germline. Affected: yes. Observed: 2 variant alleles.
Comment: NOTCH1: BS1

GeneDx
Classification: Likely benign. Last evaluated: 2020-05-05. Review status: criteria provided, single submitter. Criteria: GeneDx Variant Classification Process June 2021. Collection method: clinical testing. Allele origin: germline. Affected: yes.
Comment: This variant is associated with the following publications: (PMID: 17662764, 18593716, 24728327, 26820064)

Ambry Genetics
Classification: Likely benign for Familial thoracic aortic aneurysm and aortic dissection. Last evaluated: 2019-01-09. Review status: criteria provided, single submitter. Criteria: Ambry Variant Classification Scheme 2023. Collection method: clinical testing. Allele origin: germline.

Center for Human Genetics, Inc
Classification: Likely benign for Connective tissue disorder. Last evaluated: 2018-06-01. Review status: criteria provided, single submitter. Criteria: ACMG Guidelines, 2015. Collection method: clinical testing. Allele origin: germline. Affected: yes.

CHEO Genetics Diagnostic Laboratory, Children's Hospital of Eastern Ontario
Classification: Uncertain significance for Familial thoracic aortic aneurysm and aortic dissection. Last evaluated: 2016-04-21. Review status: criteria provided, single submitter. Criteria: ACMG Guidelines, 2015. Collection method: clinical testing. Allele origin: germline. Study: Canadian Open Genetics Repository.

PreventionGenetics, part of Exact Sciences
Classification: Likely benign for NOTCH1-related condition. Last evaluated: 2021-12-15. Review status: no assertion criteria provided. Collection method: clinical testing. Allele origin: germline. Not counted in ClinVar's aggregate classification.
Comment: This variant is classified as likely benign based on ACMG/AMP sequence variant interpretation guidelines (Richards et al. 2015 PMID: 25741868, with internal and published modifications).

ITMI
No classification provided. Condition: AllHighlyPenetrant. Last evaluated: 2013-09-19. Review status: no classification provided. Collection method: reference population. Allele origin: germline. Not counted in ClinVar's aggregate classification.
Comment: Please see associated publication for description of ethnicities

Literature cited by the submitters: PubMed 24728327 (cited by ITMI).